The following is an entry in ClinVar:

NM_000760.4(CSF3R):c.1072-10T>C

Gene: CSF3R (colony stimulating factor 3 receptor; minus strand). Cytogenetic location: 1p34.3.
Variant type: single nucleotide variant.
Coding change: c.1072-10T>C on transcript NM_000760.4 (MANE Select); 10 bases into the intron before coding-DNA position 1072, T replaced by C.
Molecular consequence: intron variant.
Genome position (GRCh38, 1-based): chr1:36,471,656, A>G on the plus strand (T>C on the coding strand, the complement: CSF3R is on the minus strand). VCF-style: chr1-36471656-A-G. GRCh37 (hg19) VCF-style: chr1-36937257-A-G.
Other names: c.1072-10T>C (LRG_144t1, NM_156039.3, NM_172313.3).
Identifiers: ClinVar variation 626093 (VCV000626093.3), dbSNP rs1557592278, ClinGen allele CA913189305.

ClinVar aggregate classification (germline): Uncertain significance. Review status: criteria provided, single submitter (1 of 4 stars). 2 submissions from 1 submitter: Uncertain significance (2). Last evaluated 2018-10-15.

Conditions:
Autosomal recessive severe congenital neutropenia due to CSF3R deficiency. Also called: Neutropenia, severe congenital, 7, autosomal recessive. Identifiers: Orphanet 420702, MedGen C4310764, MONDO:0014865, OMIM 617014.
Hereditary neutrophilia. Identifiers: Orphanet 279943, MedGen C0543669, MONDO:0008092, OMIM 162830.

Allele frequency attached by ClinVar (database versions not stated): TOPMed below 0.00001.

Submissions (2):

Center for Genomics, Ann and Robert H. Lurie Children's Hospital of Chicago
Classification: Uncertain significance for Autosomal recessive severe congenital neutropenia due to CSF3R deficiency. Last evaluated: 2018-10-15. Review status: criteria provided, single submitter. Criteria: ACMG Guidelines, 2015. Collection method: clinical testing. Allele origin: germline.
Comment: CSF3R NM_000760.3 intron 9 c.1072-10T>C: This variant has not been reported in the literature and is not present in large control databases. Evolutionary conservation and computational predictive tools for this variant are limited or unavailable. This variant is an intronic variant; splice prediction tools suggest that this variant may not affect splicing. However, further studies are needed to understand its impact. In summary, data on this variant is insufficient for disease classification. Therefore, the clinical significance of this variant is uncertain.

Center for Genomics, Ann and Robert H. Lurie Children's Hospital of Chicago
Classification: Uncertain significance for Autosomal recessive severe congenital neutropenia due to CSF3R deficiency; Hereditary neutrophilia. Review status: criteria provided, single submitter. Criteria: ACMG Guidelines, 2015. Collection method: clinical testing. Allele origin: germline.
Comment: CSF3R NM_000760.3 intron 9 c.1072-10T>C: This variant has not been reported in the literature and is not present in large control databases. Evolutionary conservation and computational predictive tools for this variant are limited or unavailable. This variant is an intronic variant; splice prediction tools suggest that this variant may not affect splicing. However, further studies are needed to understand its impact. In summary, data on this variant is insufficient for disease classification. Therefore, the clinical significance of this variant is uncertain